The following is an entry in ClinVar:

NM_019594.4(LRRC8A):c.1633C>T (p.Arg545Cys)

Gene: LRRC8A (leucine rich repeat containing 8 VRAC subunit A; plus strand). Cytogenetic location: 9q34.11.
Variant type: single nucleotide variant.
Coding change: c.1633C>T on transcript NM_019594.4 (MANE Select); coding-DNA position 1633, C replaced by T.
Protein change: p.Arg545Cys; replaces arginine 545 with cysteine.
Molecular consequence: missense variant.
Genome position (GRCh38, 1-based): chr9:128,908,797, C>T. VCF-style: chr9-128908797-C-T. GRCh37 (hg19) VCF-style: chr9-131671076-C-T.
Other names: c.1633C>T, p.Arg545Cys (NM_001127244.2, NM_001127245.2); short protein forms R545C.
Identifiers: ClinVar variation 3540288 (VCV003540288.2).

ClinVar aggregate classification (germline): Uncertain significance. Review status: criteria provided, multiple submitters, no conflicts (2 of 4 stars). 2 submissions from 2 submitters: Uncertain significance (2). Last evaluated 2025-12-26.

gnomAD v4.1: 41 of 1,613,332 alleles (0.0025%); highest among the groups gnomAD compares: Middle Eastern, 0.016%; no homozygotes.

Submissions (2):

Labcorp Genetics (formerly Invitae), Labcorp
Classification: Uncertain significance. Last evaluated: 2025-12-26. Review status: criteria provided, single submitter. Criteria: Invitae Variant Classification Sherloc (09022015). Collection method: clinical testing. Allele origin: germline.
Comment: This sequence change replaces arginine, which is basic and polar, with cysteine, which is neutral and slightly polar, at codon 545 of the LRRC8A protein (p.Arg545Cys). This variant is present in population databases (rs368145523, gnomAD 0.007%). This variant has not been reported in the literature in individuals affected with LRRC8A-related conditions. ClinVar contains an entry for this variant (Variation ID: 3540288). An algorithm developed to predict the effect of missense changes on protein structure and function (PolyPhen-2) suggests that this variant is likely to be disruptive. In summary, the available evidence is currently insufficient to determine the role of this variant in disease. Therefore, it has been classified as a Variant of Uncertain Significance.

Ambry Genetics
Classification: Uncertain significance. Last evaluated: 2024-08-05. Review status: criteria provided, single submitter. Criteria: Ambry Variant Classification Scheme 2023. Collection method: clinical testing. Allele origin: germline.